The following is an entry in ClinVar:

ClinVar aggregate classification (germline): Benign/Likely benign. Review status: criteria provided, multiple submitters, no conflicts (2 of 4 stars). 3 submissions from 3 submitters: Benign (2); Likely benign (1). Last evaluated 2024-10-10.

Conditions:
Hereditary cancer-predisposing syndrome. Also called: Neoplastic Syndromes, Hereditary; Hereditary Cancer Syndrome; Hereditary neoplastic syndrome; Tumor predisposition. Identifiers: Orphanet 140162, MedGen C0027672, MeSH D009386, MONDO:0015356.
Hereditary diffuse gastric adenocarcinoma (HDGC). Also called: DIFFUSE GASTRIC AND LOBULAR BREAST CANCER SYNDROME. Identifiers: Orphanet 26106, MedGen C1708349, MONDO:0007648, OMIM 137215.

Allele frequency attached by ClinVar (database versions not stated): TOPMed below 0.00001; gnomAD 0.00001.
gnomAD v4.1: 2 of 1,613,350 alleles (0.00012%); highest among the groups gnomAD compares: Admixed American, 0.0033%; no homozygotes.

Submissions (3):

Myriad Genetics, Inc.
Classification: Benign for Hereditary diffuse gastric adenocarcinoma. Last evaluated: 2024-10-10. Review status: criteria provided, single submitter. Criteria: Myriad Autosomal Dominant, Autosomal Recessive and X-Linked Classification Criteria (2023). Collection method: clinical testing. Allele origin: unknown.
Comment: This variant is considered benign. This variant is a silent/synonymous amino acid change and it is not expected to impact splicing.

Labcorp Genetics (formerly Invitae), Labcorp
Classification: Likely benign. Last evaluated: 2024-07-02. Review status: criteria provided, single submitter. Criteria: Invitae Variant Classification Sherloc (09022015). Collection method: clinical testing. Allele origin: germline.

Ambry Genetics
Classification: Benign for Hereditary cancer-predisposing syndrome. Last evaluated: 2021-10-17. Review status: criteria provided, single submitter. Criteria: Ambry Variant Classification Scheme 2023. Collection method: clinical testing. Allele origin: germline.

NM_001903.5(CTNNA1):c.483C>T (p.Ile161=)

Gene: CTNNA1 (catenin alpha 1; plus strand). Cytogenetic location: 5q31.2.
Variant type: single nucleotide variant.
Coding change: c.483C>T on transcript NM_001903.5 (MANE Select); coding-DNA position 483, C replaced by T.
Protein change: p.Ile161=; no amino-acid change (isoleucine 161 retained).
Molecular consequence: synonymous variant.
Genome position (GRCh38, 1-based): chr5:138,812,197, C>T. VCF-style: chr5-138812197-C-T. GRCh37 (hg19) VCF-style: chr5-138147886-C-T.
Other names: c.483C>T, p.Ile161= (NM_001290307.3, NM_001323982.2, NM_001323983.1 and 3 more transcripts); c.174C>T, p.Ile58= (NM_001290309.3); c.114C>T, p.Ile38= (NM_001290310.3).
Identifiers: ClinVar variation 1158494 (VCV001158494.12), dbSNP rs955023956, ClinGen allele CA128220904.